The following is an entry in ClinVar:

NM_002691.4(POLD1):c.1687-2A>G

Gene: POLD1 (DNA polymerase delta 1, catalytic subunit; plus strand). Cytogenetic location: 19q13.33.
Variant type: single nucleotide variant.
Coding change: c.1687-2A>G on transcript NM_002691.4 (MANE Select); the canonical splice acceptor site of the intron before coding-DNA position 1687, A replaced by G.
Molecular consequence: splice acceptor variant.
Genome position (GRCh38, 1-based): chr19:50,407,325, A>G. VCF-style: chr19-50407325-A-G. GRCh37 (hg19) VCF-style: chr19-50910582-A-G.
Other names: c.1687-2A>G (NM_001256849.1, NM_001308632.1, NM_002691.2).
Identifiers: ClinVar variation 584987 (VCV000584987.3), dbSNP rs1568628299, ClinGen allele CA406981149.

ClinVar aggregate classification (germline): Uncertain significance. Review status: criteria provided, multiple submitters, no conflicts (2 of 4 stars). 2 submissions from 2 submitters: Uncertain significance (2). Last evaluated 2024-11-08.

Conditions:
Hereditary cancer-predisposing syndrome. Also called: Tumor predisposition; Neoplastic Syndromes, Hereditary; Hereditary neoplastic syndrome; Hereditary Cancer Syndrome. Identifiers: Orphanet 140162, MedGen C0027672, MeSH D009386, MONDO:0015356.
Familial colorectal cancer. Identifiers: MedGen CN280943, MONDO:0023113. Disease mechanism: loss of function.

Submissions (2):

Ambry Genetics
Classification: Uncertain significance for Hereditary cancer-predisposing syndrome. Last evaluated: 2024-11-08. Review status: criteria provided, single submitter. Criteria: Ambry Variant Classification Scheme 2023. Collection method: clinical testing. Allele origin: germline.
Comment: The c.1687-2A>G intronic variant results from an A to G substitution two nucleotides upstream from coding exon 13 in the POLD1 gene. This nucleotide position is highly conserved in available vertebrate species. In silico splice site analysis predicts that this alteration will weaken the native splice acceptor site and may result in the creation or strengthening of a novel splice acceptor site. Alterations that disrupt the canonical splice site are expected to cause aberrant splicing, resulting in an abnormal protein or a transcript that is subject to nonsense-mediated mRNA decay. However, loss of function of POLD1 has not been established as a mechanism of disease. Based on the available evidence, the clinical significance of this alteration remains unclear.

Mendelics
Classification: Uncertain significance for Familial colorectal cancer. Last evaluated: 2018-07-02. Review status: criteria provided, single submitter. Criteria: Mendelics Assertion Criteria 2017. Collection method: clinical testing. Allele origin: unknown.